The following is an entry in ClinVar:

NM_000179.3(MSH6):c.499A>G (p.Ser167Gly)

Gene: MSH6 (mutS homolog 6; plus strand). Cytogenetic location: 2p16.3.
Variant type: single nucleotide variant.
Coding change: c.499A>G on transcript NM_000179.3 (MANE Select); coding-DNA position 499, A replaced by G.
Protein change: p.Ser167Gly; replaces serine 167 with glycine.
Molecular consequence: missense variant. On other transcripts: 5 prime UTR variant (1), intron variant (2).
Genome position (GRCh38, 1-based): chr2:47,795,935, A>G. VCF-style: chr2-47795935-A-G. GRCh37 (hg19) VCF-style: chr2-48023074-A-G.
Other names: c.-404A>G (NM_001281494.2); c.-279-2676A>G (NM_001281493.2); c.238-2676A>G (NM_001281492.2); short protein forms S167G.
Identifiers: ClinVar variation 1470974 (VCV001470974.10), dbSNP rs2104231027, ClinGen allele CA346738643.
Genomic context (GRCh38, chr2:47,795,935, plus strand): 5'-TAAATACATTTCTTTCTAGGTTCAAAATCAAAGGAAGCCCAGAAGGGAGGTCATTTTTAC[A>G]GTGCAAAGCCTGAAATACTGAGAGCAATGCAACGTGCAGATGAAGCCTTAAATAAAGACA-3'
Protein context (NP_000170.1, residues 157-177): KEAQKGGHFY[Ser167Gly]AKPEILRAMQ

ClinVar aggregate classification (germline): Uncertain significance. Review status: criteria provided, multiple submitters, no conflicts (2 of 4 stars). 2 submissions from 2 submitters: Uncertain significance (2). Last evaluated 2021-01-25.

Conditions:
Hereditary cancer-predisposing syndrome. Also called: Tumor predisposition; Hereditary Cancer Syndrome; Hereditary neoplastic syndrome; Neoplastic Syndromes, Hereditary. Identifiers: Orphanet 140162, MedGen C0027672, MeSH D009386, MONDO:0015356.
Hereditary nonpolyposis colorectal neoplasms. Identifiers: MedGen C0009405, MeSH D003123.

Allele frequency attached by ClinVar (database versions not stated): gnomAD exomes below 0.00001.
gnomAD v4.1: 1 of 1,614,168 alleles (0.000062%); highest among the groups gnomAD compares: African/African-American, 0.0013%; no homozygotes.

Submissions (2):

Labcorp Genetics (formerly Invitae), Labcorp
Classification: Uncertain significance for Hereditary nonpolyposis colorectal neoplasms. Last evaluated: 2021-01-25. Review status: criteria provided, single submitter. Criteria: Invitae Variant Classification Sherloc (09022015). Collection method: clinical testing. Allele origin: germline.
Comment: This sequence change replaces serine with glycine at codon 167 of the MSH6 protein (p.Ser167Gly). The serine residue is moderately conserved and there is a small physicochemical difference between serine and glycine. This variant is not present in population databases (ExAC no frequency). This variant has not been reported in the literature in individuals with MSH6-related conditions. Advanced modeling of protein sequence and biophysical properties (such as structural, functional, and spatial information, amino acid conservation, physicochemical variation, residue mobility, and thermodynamic stability) performed at Invitae indicates that this missense variant is not expected to disrupt MSH6 protein function. In summary, the available evidence is currently insufficient to determine the role of this variant in disease. Therefore, it has been classified as a Variant of Uncertain Significance.

Ambry Genetics
Classification: Uncertain significance for Hereditary cancer-predisposing syndrome. Last evaluated: 2019-02-17. Review status: criteria provided, single submitter. Criteria: Ambry Variant Classification Scheme 2023. Collection method: clinical testing. Allele origin: germline.
Comment: The p.S167G variant (also known as c.499A>G), located in coding exon 3 of the MSH6 gene, results from an A to G substitution at nucleotide position 499. The serine at codon 167 is replaced by glycine, an amino acid with similar properties. This amino acid position is well conserved in available vertebrate species. In addition, this alteration is predicted to be tolerated by in silico analysis. In addition, the CoDP in silico tool predicts this alteration to have minor impact on molecular function, with a score of 0.000 (Terui H et al. J. Biomed. Sci. 2013 Apr;20:25). Since supporting evidence is limited at this time, the clinical significance of this alteration remains unclear.